The following is an entry in ClinVar:

ClinVar aggregate classification (germline): Uncertain significance (1 of 4 stars; one submission).

Allele frequency attached by ClinVar (database versions not stated): ExAC 0.00001; gnomAD 0.00001; gnomAD exomes 0.00001; TOPMed 0.00002.
gnomAD v4.1: 4 of 1,613,952 alleles (0.00025%); highest among the groups gnomAD compares: African/African-American, 0.0053%; no homozygotes.

Submission:

Labcorp Genetics (formerly Invitae), Labcorp
Classification: Uncertain significance. Last evaluated: 2023-11-27. Review status: criteria provided, single submitter. Criteria: Invitae Variant Classification Sherloc (09022015). Collection method: clinical testing. Allele origin: germline.
Comment: This sequence change replaces threonine, which is neutral and polar, with asparagine, which is neutral and polar, at codon 558 of the ADGRA3 protein (p.Thr558Asn). This variant is present in population databases (rs758478204, gnomAD 0.01%). This variant has not been reported in the literature in individuals affected with ADGRA3-related conditions. ClinVar contains an entry for this variant (Variation ID: 2112634). An algorithm developed to predict the effect of missense changes on protein structure and function (PolyPhen-2) suggests that this variant is likely to be tolerated. In summary, the available evidence is currently insufficient to determine the role of this variant in disease. Therefore, it has been classified as a Variant of Uncertain Significance.

NM_145290.4(ADGRA3):c.1673C>A (p.Thr558Asn)

Gene: ADGRA3 (adhesion G protein-coupled receptor A3; minus strand). Cytogenetic location: 4p15.2.
Variant type: single nucleotide variant.
Coding change: c.1673C>A on transcript NM_145290.4 (MANE Select); coding-DNA position 1673, C replaced by A.
Protein change: p.Thr558Asn; replaces threonine 558 with asparagine.
Molecular consequence: missense variant.
Genome position (GRCh38, 1-based): chr4:22,421,022, G>T on the plus strand (C>A on the coding strand, the complement: ADGRA3 is on the minus strand). VCF-style: chr4-22421022-G-T. GRCh37 (hg19) VCF-style: chr4-22422645-G-T.
Other names: short protein forms T558N.
Identifiers: ClinVar variation 2112634 (VCV002112634.4), dbSNP rs758478204, ClinGen allele CA2873875.